The following is an entry in ClinVar:

ClinVar aggregate classification (germline): Uncertain significance (1 of 4 stars; one submission).

Conditions:
Inborn genetic diseases. Identifiers: MedGen C0950123, MeSH D030342.

Submission:

Ambry Genetics
Classification: Uncertain significance for Inborn genetic diseases. Last evaluated: 2025-11-11. Review status: criteria provided, single submitter. Criteria: Ambry Variant Classification Scheme 2023. Collection method: clinical testing. Allele origin: germline.
Comment: The p.A839T variant (also known as c.2515G>A), located in coding exon 27 of the FANCA gene, results from a G to A substitution at nucleotide position 2515. The alanine at codon 839 is replaced by threonine, an amino acid with similar properties. This amino acid position is conserved. In addition, the in silico prediction for this alteration is inconclusive. Based on the available evidence, the clinical significance of this variant remains unclear.

NM_000135.4(FANCA):c.2515G>A (p.Ala839Thr)

Gene: FANCA (FA complementation group A; minus strand). Cytogenetic location: 16q24.3.
Variant type: single nucleotide variant.
Coding change: c.2515G>A on transcript NM_000135.4 (MANE Select); coding-DNA position 2515, G replaced by A.
Protein change: p.Ala839Thr; replaces alanine 839 with threonine.
Molecular consequence: missense variant.
Genome position (GRCh38, 1-based): chr16:89,767,227, C>T on the plus strand (G>A on the coding strand, the complement: FANCA is on the minus strand). VCF-style: chr16-89767227-C-T. GRCh37 (hg19) VCF-style: chr16-89833635-C-T.
Other names: c.2515G>A, p.Ala839Thr (NM_001286167.3); short protein forms A839T.
Identifiers: ClinVar variation 4619263 (VCV004619263.1).